The following is an entry in ClinVar:

NM_022041.4(GAN):c.1208A>G (p.Lys403Arg)

Gene: GAN (gigaxonin; plus strand). Cytogenetic location: 16q23.2.
Variant type: single nucleotide variant.
Coding change: c.1208A>G on transcript NM_022041.4 (MANE Select); coding-DNA position 1208, A replaced by G.
Protein change: p.Lys403Arg; replaces lysine 403 with arginine.
Molecular consequence: missense variant.
Genome position (GRCh38, 1-based): chr16:81,363,915, A>G. VCF-style: chr16-81363915-A-G. GRCh37 (hg19) VCF-style: chr16-81397520-A-G.
Other names: c.569A>G, p.Lys190Arg (NM_001377486.1); short protein forms K190R, K403R.
Identifiers: ClinVar variation 861856 (VCV000861856.7), dbSNP rs780241559, ClinGen allele CA8191651.

ClinVar aggregate classification (germline): Uncertain significance (1 of 4 stars; one submission).

Conditions:
Giant axonal neuropathy 1 (GAN1). Also called: GAN-Related Neurodegeneration; GIANT AXONAL NEUROPATHY 1, AUTOSOMAL RECESSIVE. Identifiers: Orphanet 643, MedGen C1850386, MONDO:0009749, OMIM 256850.

Allele frequency attached by ClinVar (database versions not stated): gnomAD exomes 0.00002 and 0.00006; TOPMed 0.00003; gnomAD 0.00005; ExAC 0.00006.
gnomAD v4.1: 37 of 1,613,594 alleles (0.0023%); highest among the groups gnomAD compares: East Asian, 0.082%; no homozygotes.

Submission:

Labcorp Genetics (formerly Invitae), Labcorp
Classification: Uncertain significance for Giant axonal neuropathy 1. Last evaluated: 2022-06-23. Review status: criteria provided, single submitter. Criteria: Invitae Variant Classification Sherloc (09022015). Collection method: clinical testing. Allele origin: germline.
Comment: This sequence change replaces lysine, which is basic and polar, with arginine, which is basic and polar, at codon 403 of the GAN protein (p.Lys403Arg). This variant is present in population databases (rs780241559, gnomAD 0.08%). This variant has not been reported in the literature in individuals affected with GAN-related conditions. ClinVar contains an entry for this variant (Variation ID: 861856). Algorithms developed to predict the effect of missense changes on protein structure and function (SIFT, PolyPhen-2, Align-GVGD) all suggest that this variant is likely to be tolerated. In summary, the available evidence is currently insufficient to determine the role of this variant in disease. Therefore, it has been classified as a Variant of Uncertain Significance.